The following is an entry in ClinVar:

ClinVar aggregate classification (germline): Uncertain significance. Review status: criteria provided, multiple submitters, no conflicts (2 of 4 stars). 2 submissions from 2 submitters: Uncertain significance (2). Last evaluated 2023-02-17.

Conditions:
Bethlem myopathy 2 (BTHLM2). Identifiers: Orphanet 536516, Orphanet 610, MedGen C4225313, MONDO:0034022, OMIM 616471.
Ullrich congenital muscular dystrophy 2 (UCMD2). Identifiers: Orphanet 75840, MedGen C4225314, MONDO:0014654, OMIM 616470.

Submissions (2):

GeneDx
Classification: Uncertain significance. Last evaluated: 2023-02-17. Review status: criteria provided, single submitter. Criteria: GeneDx Variant Classification Process June 2021. Collection method: clinical testing. Allele origin: germline. Affected: yes.
Comment: Not observed at significant frequency in large population cohorts (gnomAD); In silico analysis supports that this missense variant has a deleterious effect on protein structure/function; Has not been previously published as pathogenic or benign to our knowledge

Labcorp Genetics (formerly Invitae), Labcorp
Classification: Uncertain significance for Bethlem myopathy 2; Ullrich congenital muscular dystrophy 2. Last evaluated: 2022-09-16. Review status: criteria provided, single submitter. Criteria: Invitae Variant Classification Sherloc (09022015). Collection method: clinical testing. Allele origin: germline.
Comment: In summary, the available evidence is currently insufficient to determine the role of this variant in disease. Therefore, it has been classified as a Variant of Uncertain Significance. Advanced modeling of protein sequence and biophysical properties (such as structural, functional, and spatial information, amino acid conservation, physicochemical variation, residue mobility, and thermodynamic stability) performed at Invitae indicates that this missense variant is not expected to disrupt COL12A1 protein function. This variant has not been reported in the literature in individuals affected with COL12A1-related conditions. This variant is not present in population databases (gnomAD no frequency). This sequence change replaces glycine, which is neutral and non-polar, with glutamic acid, which is acidic and polar, at codon 1704 of the COL12A1 protein (p.Gly1704Glu).

NM_004370.6(COL12A1):c.5111G>A (p.Gly1704Glu)

Gene: COL12A1 (collagen type XII alpha 1 chain; minus strand). Cytogenetic location: 6q13.
Variant type: single nucleotide variant.
Coding change: c.5111G>A on transcript NM_004370.6 (MANE Select); coding-DNA position 5111, G replaced by A.
Protein change: p.Gly1704Glu; replaces glycine 1704 with glutamic acid.
Molecular consequence: missense variant.
Genome position (GRCh38, 1-based): chr6:75,138,567, C>T on the plus strand (G>A on the coding strand, the complement: COL12A1 is on the minus strand). VCF-style: chr6-75138567-C-T. GRCh37 (hg19) VCF-style: chr6-75848283-C-T.
Other names: c.1619G>A, p.Gly540Glu (NM_080645.3); c.5111G>A (NM_004370.5); short protein forms G540E, G1704E.
Identifiers: ClinVar variation 1948615 (VCV001948615.6), dbSNP rs2533318265, ClinGen allele CA364739346.
Genomic context (GRCh38, chr6:75,138,567, plus strand): 5'-ATGGAAACTTCATAGATGGTGTTGGGGTTCAGGTTTTCGAACACCAAAGTGTTTTCATCT[C>T]CATTTAAGATGGTCTTGGAGAAAGAGGACAAAAACATACCCACGCAAAAGTAAGTCTCCA-3'
Protein context (NP_004361.3, residues 1694-1714): SSDKMETILN[Gly1704Glu]DENTLVFENL